The following is an entry in ClinVar:

Conditions:
Long QT syndrome 5 (LQT5). Identifiers: Orphanet 101016, Orphanet 768, MedGen C1867904, MONDO:0013372, OMIM 613695.

Submission:

Roden Lab, Vanderbilt University Medical Center
No classification provided (evidence only). Condition: Long QT syndrome 5. Review status: no classification provided. Collection method: in vitro. Allele origin: not applicable. Functional consequence: Effect on ion channel function.
ClinVar note: "not provided" was previously submitted as the classification for the variant. However, the classification appeared to be based only on an observation of functional data so it was converted to no classification on 2025-07-30.

NM_000219.6(KCNE1):c.189G>C (p.Leu63=)

Gene: KCNE1 (potassium voltage-gated channel subfamily E regulatory subunit 1; minus strand). Cytogenetic location: 21q22.12.
Variant type: single nucleotide variant.
Coding change: c.189G>C on transcript NM_000219.6 (MANE Select); coding-DNA position 189, G replaced by C.
Protein change: p.Leu63=; no amino-acid change (leucine 63 retained).
Molecular consequence: synonymous variant.
Genome position (GRCh38, 1-based): chr21:34,449,446, C>G on the plus strand (G>C on the coding strand, the complement: KCNE1 is on the minus strand). VCF-style: chr21-34449446-C-G. GRCh37 (hg19) VCF-style: chr21-35821744-C-G.
Other names: c.189G>C, p.Leu63= (NM_001127668.4, NM_001127669.4, NM_001127670.4 and 4 more transcripts).
Identifiers: ClinVar variation 3374284 (VCV003374284.2).